The following is an entry in ClinVar:

NM_001813.3(CENPE):c.6817G>A (p.Glu2273Lys)

Gene: CENPE (centromere protein E; minus strand). Cytogenetic location: 4q24.
Variant type: single nucleotide variant.
Coding change: c.6817G>A on transcript NM_001813.3 (MANE Select); coding-DNA position 6817, G replaced by A.
Protein change: p.Glu2273Lys; replaces glutamic acid 2273 with lysine.
Molecular consequence: missense variant.
Genome position (GRCh38, 1-based): chr4:103,132,800, C>T on the plus strand (G>A on the coding strand, the complement: CENPE is on the minus strand). VCF-style: chr4-103132800-C-T. GRCh37 (hg19) VCF-style: chr4-104053957-C-T.
Other names: c.6454G>A, p.Glu2152Lys (NM_001286734.2); short protein forms E2152K, E2273K.
Identifiers: ClinVar variation 1805810 (VCV001805810.1), dbSNP rs138882212, ClinGen allele CA3029287.

ClinVar aggregate classification (germline): Uncertain significance (1 of 4 stars; one submission).

Conditions:
Microcephaly 13, primary, autosomal recessive. Identifiers: Orphanet 808, MedGen C4015080, MONDO:0014473, OMIM 616051.

Allele frequency attached by ClinVar (database versions not stated): ExAC 0.00006; gnomAD 0.00007; ESP Exome Variant Server 0.00008; gnomAD exomes 0.00015.
gnomAD v4.1: 223 of 1,579,204 alleles (0.014%); highest among the groups gnomAD compares: Non-Finnish European, 0.019%; no homozygotes.

Submission:

Victorian Clinical Genetics Services, Murdoch Childrens Research Institute
Classification: Uncertain significance for Microcephaly 13, primary, autosomal recessive. Last evaluated: 2020-05-21. Review status: criteria provided, single submitter. Criteria: ACMG Guidelines, 2015. Collection method: clinical testing. Allele origin: germline. Inheritance: Autosomal recessive inheritance. Affected: yes.
Comment: A heterozygous missense variant was identified, NM_001286734.1(CENPE):c.6454G>A in exon 40 of 47 of the CENPE gene. This substitution is predicted to create a minor amino acid change from glutamic acid to lysine at position 2152 of the protein, NP_001273663.1(CENPE):p.(Glu2152Lys). The glutamic acid at this position has low conservation (100 vertebrates, UCSC), but is located within the kinetochore-binding domain. In silico software predictions of the pathogenicity of this variant are conflicting (Polyphen, SIFT, CADD, Mutation Taster). The variant is present in the gnomAD population database at a frequency of 0.0080% (22 heterozygotes, 0 homozygotes). The variant has not been previously reported in a clinical testing setting. Based on information available at the time of curation, this variant has been classified as a VARIANT of UNCERTAIN SIGNIFICANCE (VUS) with LOW CLINICAL RELEVANCE.